The following is an entry in ClinVar:

NM_002470.4(MYH3):c.3750C>T (p.Cys1250=)

Gene: MYH3 (myosin heavy chain 3; minus strand). Cytogenetic location: 17p13.1.
Variant type: single nucleotide variant.
Coding change: c.3750C>T on transcript NM_002470.4 (MANE Select); coding-DNA position 3750, C replaced by T.
Protein change: p.Cys1250=; no amino-acid change (cysteine 1250 retained).
Molecular consequence: synonymous variant.
Genome position (GRCh38, 1-based): chr17:10,637,915, G>A on the plus strand (C>T on the coding strand, the complement: MYH3 is on the minus strand). VCF-style: chr17-10637915-G-A. GRCh37 (hg19) VCF-style: chr17-10541232-G-A.
Other names: c.3750C>T (NM_002470.3).
Identifiers: ClinVar variation 2721129 (VCV002721129.4), dbSNP rs367634995, ClinGen allele CA8392412.

ClinVar aggregate classification (germline): Likely benign. Review status: criteria provided, multiple submitters, no conflicts (2 of 4 stars). 2 submissions from 2 submitters: Likely benign (2). Last evaluated 2025-08-23.

Conditions:
MYH3-related disorder. Also called: MYH3-related condition; MYH3-Related Disorders. Identifiers: MedGen CN239329.

Allele frequency attached by ClinVar (database versions not stated): ExAC 0.00001; TOPMed 0.00001; gnomAD 0.00003; gnomAD exomes 0.00006; ESP Exome Variant Server 0.00008.
gnomAD v4.1: 88 of 1,614,018 alleles (0.0055%); highest among the groups gnomAD compares: Non-Finnish European, 0.0072%; no homozygotes.

Submissions (2):

Labcorp Genetics (formerly Invitae), Labcorp
Classification: Likely benign. Last evaluated: 2025-08-23. Review status: criteria provided, single submitter. Criteria: Invitae Variant Classification Sherloc (09022015). Collection method: clinical testing. Allele origin: germline.

PreventionGenetics, part of Exact Sciences
Classification: Likely benign for MYH3-related condition. Last evaluated: 2025-02-21. Review status: criteria provided, single submitter. Criteria: ACMG Guidelines, 2015. Collection method: clinical testing. Allele origin: germline.
Comment: This variant is classified as likely benign based on ACMG/AMP sequence variant interpretation guidelines (Richards et al. 2015 PMID: 25741868, with internal and published modifications).